The following is an entry in ClinVar:

ClinVar aggregate classification (germline): Uncertain significance (1 of 4 stars; one submission).

Submission:

Greenwood Genetic Center Diagnostic Laboratories, Greenwood Genetic Center
Classification: Uncertain significance. Last evaluated: 2025-05-28. Review status: criteria provided, single submitter. Criteria: ACMG Guidelines, 2015. Collection method: clinical testing. Allele origin: germline. Affected: yes.
Comment: PM2, PP3

NM_000548.5(TSC2):c.1183T>C (p.Cys395Arg)

Gene: TSC2 (TSC complex subunit 2; plus strand). Cytogenetic location: 16p13.3.
Variant type: single nucleotide variant.
Coding change: c.1183T>C on transcript NM_000548.5 (MANE Select); coding-DNA position 1183, T replaced by C.
Protein change: p.Cys395Arg; replaces cysteine 395 with arginine.
Molecular consequence: missense variant. On other transcripts: 5 prime UTR variant (10), non-coding transcript variant (5).
Genome position (GRCh38, 1-based): chr16:2,061,934, T>C. VCF-style: chr16-2061934-T-C. GRCh37 (hg19) VCF-style: chr16-2111935-T-C.
Other names: c.1183T>C, p.Cys395Arg (NM_001077183.3, NM_001114382.3, NM_001363528.2 and 6 more transcripts); c.1072T>C, p.Cys358Arg (NM_001318827.2, NM_001406670.1, NM_001406678.1); c.1036T>C, p.Cys346Arg (NM_001318829.2, NM_001406675.1, NM_001406676.1 and 1 more transcripts); c.583T>C, p.Cys195Arg (NM_001318831.2, NM_001406682.1, NM_001406683.1 and 6 more transcripts); c.1216T>C, p.Cys406Arg (NM_001318832.2); c.1273T>C, p.Cys425Arg (NM_001406667.1, NM_001406668.1); c.-162T>C (NM_001406689.1, NM_001406690.1, NM_001406691.1 and 4 more transcripts); c.-130T>C (NM_001406694.1, NM_001406695.1); and 4 more; short protein forms C195R, C241R, C346R, C358R, C376R, C391R, C395R, C406R.
Identifiers: ClinVar variation 4538267 (VCV004538267.1).